The following is an entry in ClinVar:

ClinVar aggregate classification (germline): Likely benign. Review status: reviewed by expert panel (3 of 4 stars). 2 submissions from 2 submitters: Likely benign (1). 1 of the submissions does not count toward it. Last evaluated 2026-02-20.

Conditions:
Hereditary antithrombin deficiency (AT3D). Also called: Antithrombin III deficiency; Thrombophilia due to antithrombin III deficiency; Reduced antithrombin III activity; Antithrombin deficiency. Identifiers: Orphanet 82, MedGen C0272375, MONDO:0013144, OMIM 613118, HP:0001976.

Allele frequency attached by ClinVar (database versions not stated): TOPMed below 0.00001; 1000 Genomes Project 30x 0.00016; 1000 Genomes Project 0.00020; ExAC 0.00002.
gnomAD v4.1: 18 of 1,614,112 alleles (0.0011%); highest among the groups gnomAD compares: South Asian, 0.0066%; no homozygotes.

Submissions (2):

Clingen Thrombosis Variant Curation Expert Panel, ClinGen
Classification: Likely benign for Hereditary antithrombin deficiency. Last evaluated: 2026-02-20. Review status: reviewed by expert panel. Criteria: ClinGen ACMG Specifications SERPINC1 V1.0.0. Collection method: curation. Allele origin: germline. Inheritance: Autosomal dominant inheritance.
Comment: The NM_000488.4(SERPINC1):c.882C>T (p.Arg294=) is a synonymous variant that is not predicted by Splice AI to impact splicing. In addition, it occurs at a nucleotide that is not conserved as shown by phyloP (BP4, BP7). The total minor allele frequency in gnomAD v4.1.0 is 0.00001115 (18/1614112 alleles), which is lower than the ClinGen Thrombosis VCEP threshold (<0.00002) for PM2_Supporting. In summary, this variant is classified as a likely benign for antithrombin deficiency based on the ACMG/AMP criteria applied, as specified by the ClinGen Thrombosis VCEP v1.1.0: BP7, BP4, PM2_Supporting.

Labcorp Genetics (formerly Invitae), Labcorp
Classification: Likely benign for Hereditary antithrombin deficiency. Last evaluated: 2024-01-08. Review status: criteria provided, single submitter. Criteria: Invitae Variant Classification Sherloc (09022015). Collection method: clinical testing. Allele origin: germline. Not counted in ClinVar's aggregate classification.

NM_000488.4(SERPINC1):c.882C>T (p.Arg294=)

Gene: SERPINC1 (serpin family C member 1; minus strand). Cytogenetic location: 1q25.1.
Variant type: single nucleotide variant.
Coding change: c.882C>T on transcript NM_000488.4 (MANE Select); coding-DNA position 882, C replaced by T.
Protein change: p.Arg294=; no amino-acid change (arginine 294 retained).
Molecular consequence: synonymous variant.
Genome position (GRCh38, 1-based): chr1:173,909,823, G>A on the plus strand (C>T on the coding strand, the complement: SERPINC1 is on the minus strand). VCF-style: chr1-173909823-G-A. GRCh37 (hg19) VCF-style: chr1-173878961-G-A.
Other names: NM_000488.4(SERPINC1):c.882C>T; p.Arg294=; c.738C>T, p.Arg246= (NM_001365052.2); c.1005C>T, p.Arg335= (NM_001386302.1); c.963C>T, p.Arg321= (NM_001386303.1); c.861C>T, p.Arg287= (NM_001386304.1); c.825C>T, p.Arg275= (NM_001386305.1); c.666C>T, p.Arg222= (NM_001386306.1).
Identifiers: ClinVar variation 2157486 (VCV002157486.4), dbSNP rs184508490, ClinGen allele CA1251316.
Genomic context (GRCh38, chr1:173,909,823, plus strand): 5'-GACCATGGTGATGTCATCACCTTTGAAGGGCAACTCAAGCACCTGGGTGCCTTCAGCCAC[G>A]CGCCGATAACGGAACTTGCCTTCCTGGTACATCATAGATGCTGAACACGACTCTCCATCA-3'
Protein context (NP_000479.1, residues 284-304): MYQEGKFRYR[Arg294=]VAEGTQVLEL